The following is an entry in ClinVar:

ClinVar aggregate classification (germline): Uncertain significance (1 of 4 stars; one submission).

gnomAD v4.1: 1 of 1,440,944 alleles (0.000069%); highest among the groups gnomAD compares: Non-Finnish European, 0.000095%; no homozygotes.

Submission:

CeGaT Center for Human Genetics Tuebingen
Classification: Uncertain significance. Last evaluated: 2026-07-01. Review status: criteria provided, single submitter. Criteria: CeGaT Center For Human Genetics Tuebingen Variant Classification Criteria Version 2. Collection method: clinical testing. Allele origin: germline. Affected: yes. Observed: 1 variant allele.
Comment: COQ2: PM2, BP4

NM_001358921.2(COQ2):c.1102A>G (p.Lys368Glu)

Gene: COQ2 (coenzyme Q2, polyprenyltransferase; minus strand). Cytogenetic location: 4q21.23.
Variant type: single nucleotide variant.
Coding change: c.1102A>G on transcript NM_001358921.2 (MANE Select); coding-DNA position 1102, A replaced by G.
Protein change: p.Lys368Glu; replaces lysine 368 with glutamic acid.
Molecular consequence: missense variant.
Genome position (GRCh38, 1-based): chr4:83,264,213, T>C on the plus strand (A>G on the coding strand, the complement: COQ2 is on the minus strand). VCF-style: chr4-83264213-T-C. GRCh37 (hg19) VCF-style: chr4-84185366-T-C.
Other names: c.1252A>G, p.Lys418Glu (NM_015697.9); short protein forms K368E, K418E.
Identifiers: ClinVar variation 4822593 (VCV004822593.4).